The following is an entry in ClinVar:

ClinVar aggregate classification (germline): Uncertain significance (1 of 4 stars; one submission).

gnomAD v4.1: 222 of 1,551,420 alleles (0.014%); highest among the groups gnomAD compares: Non-Finnish European, 0.015%; no homozygotes.

Submission:

CeGaT Center for Human Genetics Tuebingen
Classification: Uncertain significance. Last evaluated: 2026-01-01. Review status: criteria provided, single submitter. Criteria: CeGaT Center For Human Genetics Tuebingen Variant Classification Criteria Version 2. Collection method: clinical testing. Allele origin: germline. Affected: yes. Observed: 1 variant allele.
Comment: DNAH14: PM2, BP4

NM_001367479.1(DNAH14):c.12383G>A (p.Arg4128His)

Gene: DNAH14 (dynein axonemal heavy chain 14; plus strand). Cytogenetic location: 1q42.12.
Variant type: single nucleotide variant.
Coding change: c.12383G>A on transcript NM_001367479.1 (MANE Select); coding-DNA position 12383, G replaced by A.
Protein change: p.Arg4128His; replaces arginine 4128 with histidine.
Molecular consequence: missense variant.
Genome position (GRCh38, 1-based): chr1:225,374,752, G>A. VCF-style: chr1-225374752-G-A. GRCh37 (hg19) VCF-style: chr1-225562454-G-A.
Other names: short protein forms R4128H.
Identifiers: ClinVar variation 4821945 (VCV004821945.4).